The following is an entry in ClinVar:

NM_001130698.2(TRPC3):c.2364A>G (p.Ser788=)

Gene: TRPC3 (transient receptor potential cation channel subfamily C member 3; minus strand). Cytogenetic location: 4q27.
Variant type: single nucleotide variant.
Coding change: c.2364A>G on transcript NM_001130698.2 (MANE Select); coding-DNA position 2364, A replaced by G.
Protein change: p.Ser788=; no amino-acid change (serine 788 retained).
Molecular consequence: synonymous variant.
Genome position (GRCh38, 1-based): chr4:121,902,951, T>C on the plus strand (A>G on the coding strand, the complement: TRPC3 is on the minus strand). VCF-style: chr4-121902951-T-C. GRCh37 (hg19) VCF-style: chr4-122824106-T-C.
Other names: c.2364A>G, p.Ser788= (NM_001366479.2); c.2145A>G, p.Ser715= (NM_003305.2).
Identifiers: ClinVar variation 2655062 (VCV002655062.27), dbSNP rs147677309, ClinGen allele CA3064762.

ClinVar aggregate classification (germline): Benign/Likely benign. Review status: criteria provided, multiple submitters, no conflicts (2 of 4 stars). 2 submissions from 2 submitters: Benign (1); Likely benign (1). Last evaluated 2025-05-05.

Allele frequency attached by ClinVar (database versions not stated): gnomAD exomes 0.00084; 1000 Genomes Project 0.00160; ExAC 0.00161; 1000 Genomes Project 30x 0.00172; ESP Exome Variant Server 0.00023; TOPMed 0.00042; gnomAD 0.00055.
gnomAD v4.1: 1,332 of 1,613,570 alleles (0.083%); highest among the groups gnomAD compares: South Asian, 0.91%; 15 homozygotes.

Submissions (2):

Labcorp Genetics (formerly Invitae), Labcorp
Classification: Benign. Last evaluated: 2025-05-05. Review status: criteria provided, single submitter. Criteria: Invitae Variant Classification Sherloc (09022015). Collection method: clinical testing. Allele origin: germline.

CeGaT Center for Human Genetics Tuebingen
Classification: Likely benign. Last evaluated: 2022-09-01. Review status: criteria provided, single submitter. Criteria: CeGaT Center For Human Genetics Tuebingen Variant Classification Criteria Version 2. Collection method: clinical testing. Allele origin: germline. Affected: yes. Observed: 1 variant allele.
Comment: TRPC3: BP4, BP7